The following is an entry in ClinVar:

ClinVar aggregate classification (germline): Uncertain significance. Review status: criteria provided, multiple submitters, no conflicts (2 of 4 stars). 4 submissions from 4 submitters: Uncertain significance (3). 1 of the submissions does not count toward it. Last evaluated 2026-03-25.

Conditions:
CDH23-related disorder. Also called: CDH23-related condition; CDH23-related disorders.
Usher syndrome type 1 (USH1). Also called: RETINITIS PIGMENTOSA AND CONGENITAL DEAFNESS. Identifiers: Orphanet 231169, Orphanet 886, MedGen C1568247, MONDO:0010168, OMIM 276900.

Allele frequency attached by ClinVar (database versions not stated): gnomAD 0.00003 and 0.00002; ExAC 0.00001; gnomAD exomes 0.00002; TOPMed 0.00002.
gnomAD v4.1: 34 of 1,603,582 alleles (0.0021%); highest among the groups gnomAD compares: South Asian, 0.019%; 1 homozygote.

Submissions (4):

PreventionGenetics, part of Exact Sciences
Classification: Uncertain significance for CDH23-related condition. Last evaluated: 2026-03-25. Review status: criteria provided, single submitter. Criteria: ACMG Guidelines, 2015. Collection method: clinical testing. Allele origin: germline.
Comment: The CDH23 c.4046G>A variant is predicted to result in the amino acid substitution p.Arg1349His. To our knowledge, this variant has not been reported in the literature. This variant is reported in 0.0070% of alleles in individuals of South Asian descent in gnomAD. At this time, the clinical significance of this variant is uncertain due to the absence of conclusive functional and genetic evidence.

Labcorp Genetics (formerly Invitae), Labcorp
Classification: Uncertain significance. Last evaluated: 2025-03-31. Review status: criteria provided, single submitter. Criteria: Invitae Variant Classification Sherloc (09022015). Collection method: clinical testing. Allele origin: germline.
Comment: This sequence change replaces arginine, which is basic and polar, with histidine, which is basic and polar, at codon 1349 of the CDH23 protein (p.Arg1349His). The frequency data for this variant in the population databases is considered unreliable, as metrics indicate poor data quality at this position in the gnomAD database. This variant has not been reported in the literature in individuals affected with CDH23-related conditions. ClinVar contains an entry for this variant (Variation ID: 228482). Invitae Evidence Modeling of protein sequence and biophysical properties (such as structural, functional, and spatial information, amino acid conservation, physicochemical variation, residue mobility, and thermodynamic stability) has been performed for this missense variant. However, the output from this modeling did not meet the statistical confidence thresholds required to predict the impact of this variant on CDH23 protein function. In summary, the available evidence is currently insufficient to determine the role of this variant in disease. Therefore, it has been classified as a Variant of Uncertain Significance.

Laboratory for Molecular Medicine, Mass General Brigham Personalized Medicine
Classification: Uncertain significance. Last evaluated: 2015-06-24. Review status: criteria provided, single submitter. Criteria: LMM Criteria. Collection method: clinical testing. Allele origin: germline. Observed: 1 variant allele.
Comment: The p.Arg1349His variant in CDH23 has not been previously reported in individual s with hearing loss, but has been identified in 1/54558 European chromosomes by the Exome Aggregation Consortium (ExAC). Althoug h this variant has been seen in the general population, its frequency is not hig h enough to rule out a pathogenic role. Computational prediction tools and conse rvation analyses do not provide strong support for or against an impact to the p rotein. In summary, the clinical significance of the p.Arg1349His variant is unc ertain.

Natera, Inc.
Classification: Uncertain significance for Usher syndrome type 1. Last evaluated: 2019-10-28. Review status: no assertion criteria provided. Collection method: clinical testing. Allele origin: germline. Not counted in ClinVar's aggregate classification.

NM_022124.6(CDH23):c.4046G>A (p.Arg1349His)

Genes: C10orf105 (chromosome 10 open reading frame 105; minus strand), CDH23 (cadherin related 23; plus strand). Cytogenetic location: 10q22.1.
Variant type: single nucleotide variant.
Coding change: c.4046G>A on transcript NM_022124.6 (MANE Select); coding-DNA position 4046, G replaced by A.
Protein change: p.Arg1349His; replaces arginine 1349 with histidine.
Molecular consequence: missense variant. On other transcripts: intron variant (1).
Genome position (GRCh38, 1-based): chr10:71,732,317, G>A. VCF-style: chr10-71732317-G-A. GRCh37 (hg19) VCF-style: chr10-73492074-G-A.
Other names: c.4046G>A, p.Arg1349His (NM_001171930.2); c.-6+5411C>T (NM_001168390.2); short protein forms R1349H.
Identifiers: ClinVar variation 228482 (VCV000228482.10), dbSNP rs768452198, ClinGen allele CA5544896.